The following is an entry in ClinVar:

NM_020693.4(DSCAML1):c.2414C>T (p.Ala805Val)

Gene: DSCAML1 (DS cell adhesion molecule like 1; minus strand). Cytogenetic location: 11q23.3.
Variant type: single nucleotide variant.
Coding change: c.2414C>T on transcript NM_020693.4 (MANE Select); coding-DNA position 2414, C replaced by T.
Protein change: p.Ala805Val; replaces alanine 805 with valine.
Molecular consequence: missense variant.
Genome position (GRCh38, 1-based): chr11:117,482,108, G>A on the plus strand (C>T on the coding strand, the complement: DSCAML1 is on the minus strand). VCF-style: chr11-117482108-G-A. GRCh37 (hg19) VCF-style: chr11-117352823-G-A.
Other names: c.2414C>T, p.Ala805Val (NM_001367904.1); short protein forms A805V.
Identifiers: ClinVar variation 1935526 (VCV001935526.5), dbSNP rs376602423, ClinGen allele CA6297013.

ClinVar aggregate classification (germline): Uncertain significance (1 of 4 stars; one submission).

gnomAD v4.1: 29 of 1,614,178 alleles (0.0018%); highest among the groups gnomAD compares: South Asian, 0.0055%; no homozygotes.

Submission:

Labcorp Genetics (formerly Invitae), Labcorp
Classification: Uncertain significance. Last evaluated: 2024-03-16. Review status: criteria provided, single submitter. Criteria: Invitae Variant Classification Sherloc (09022015). Collection method: clinical testing. Allele origin: germline.
Comment: This sequence change replaces alanine, which is neutral and non-polar, with valine, which is neutral and non-polar, at codon 865 of the DSCAML1 protein (p.Ala865Val). This variant is present in population databases (rs376602423, gnomAD 0.002%). This variant has not been reported in the literature in individuals affected with DSCAML1-related conditions. ClinVar contains an entry for this variant (Variation ID: 1935526). An algorithm developed to predict the effect of missense changes on protein structure and function (PolyPhen-2) suggests that this variant is likely to be tolerated. In summary, the available evidence is currently insufficient to determine the role of this variant in disease. Therefore, it has been classified as a Variant of Uncertain Significance.